The following is an entry in ClinVar:

NM_002336.3(LRP6):c.1456A>G (p.Asn486Asp)

Gene: LRP6 (LDL receptor related protein 6; minus strand). Cytogenetic location: 12p13.2.
Variant type: single nucleotide variant.
Coding change: c.1456A>G on transcript NM_002336.3 (MANE Select); coding-DNA position 1456, A replaced by G.
Protein change: p.Asn486Asp; replaces asparagine 486 with aspartic acid.
Molecular consequence: missense variant.
Genome position (GRCh38, 1-based): chr12:12,179,899, T>C on the plus strand (A>G on the coding strand, the complement: LRP6 is on the minus strand). VCF-style: chr12-12179899-T-C. GRCh37 (hg19) VCF-style: chr12-12332833-T-C.
Other names: c.1456A>G, p.Asn486Asp (NM_001414244.1, NM_001414245.1, NM_001414246.1 and 5 more transcripts); c.1258A>G, p.Asn420Asp (NM_001414247.1); c.1003A>G, p.Asn335Asp (NM_001414252.1, NM_001414253.1, NM_001414254.1); short protein forms N335D, N420D, N486D.
Identifiers: ClinVar variation 2105986 (VCV002105986.4), dbSNP rs2498951306, ClinGen allele CA383949726.

ClinVar aggregate classification (germline): Uncertain significance (1 of 4 stars; one submission).

Submission:

Labcorp Genetics (formerly Invitae), Labcorp
Classification: Uncertain significance. Last evaluated: 2022-03-03. Review status: criteria provided, single submitter. Criteria: Invitae Variant Classification Sherloc (09022015). Collection method: clinical testing. Allele origin: germline.
Comment: This sequence change replaces asparagine, which is neutral and polar, with aspartic acid, which is acidic and polar, at codon 486 of the LRP6 protein (p.Asn486Asp). This variant is not present in population databases (gnomAD no frequency). In summary, the available evidence is currently insufficient to determine the role of this variant in disease. Therefore, it has been classified as a Variant of Uncertain Significance. Algorithms developed to predict the effect of missense changes on protein structure and function are either unavailable or do not agree on the potential impact of this missense change (SIFT: "Deleterious"; PolyPhen-2: "Benign"; Align-GVGD: "Class C15"). This variant has not been reported in the literature in individuals affected with LRP6-related conditions.